The following is an entry in ClinVar:

NM_000095.3(COMP):c.1167G>T (p.Arg389Ser)

Gene: COMP (cartilage oligomeric matrix protein; minus strand). Cytogenetic location: 19p13.11.
Variant type: single nucleotide variant.
Coding change: c.1167G>T on transcript NM_000095.3 (MANE Select); coding-DNA position 1167, G replaced by T.
Protein change: p.Arg389Ser; replaces arginine 389 with serine.
Molecular consequence: missense variant.
Genome position (GRCh38, 1-based): chr19:18,786,619, C>A on the plus strand (G>T on the coding strand, the complement: COMP is on the minus strand). VCF-style: chr19-18786619-C-A. GRCh37 (hg19) VCF-style: chr19-18897429-C-A.
Other names: short protein forms R389S.
Identifiers: ClinVar variation 2842316 (VCV002842316.3), dbSNP rs2145901363, ClinGen allele CA404887016.

ClinVar aggregate classification (germline): Uncertain significance (1 of 4 stars; one submission).

Submission:

Labcorp Genetics (formerly Invitae), Labcorp
Classification: Uncertain significance. Last evaluated: 2023-03-17. Review status: criteria provided, single submitter. Criteria: Invitae Variant Classification Sherloc (09022015). Collection method: clinical testing. Allele origin: germline.
Comment: In summary, the available evidence is currently insufficient to determine the role of this variant in disease. Therefore, it has been classified as a Variant of Uncertain Significance. This sequence change replaces arginine, which is basic and polar, with serine, which is neutral and polar, at codon 389 of the COMP protein (p.Arg389Ser). This variant is not present in population databases (gnomAD no frequency). This variant has not been reported in the literature in individuals affected with COMP-related conditions. Advanced modeling of protein sequence and biophysical properties (such as structural, functional, and spatial information, amino acid conservation, physicochemical variation, residue mobility, and thermodynamic stability) performed at Invitae indicates that this missense variant is not expected to disrupt COMP protein function.